The following is an entry in ClinVar:

NM_014000.3(VCL):c.1871A>T (p.Glu624Val)

Gene: VCL (vinculin; plus strand). Cytogenetic location: 10q22.2.
Variant type: single nucleotide variant.
Coding change: c.1871A>T on transcript NM_014000.3 (MANE Select); coding-DNA position 1871, A replaced by T.
Protein change: p.Glu624Val; replaces glutamic acid 624 with valine.
Molecular consequence: missense variant.
Genome position (GRCh38, 1-based): chr10:74,097,331, A>T. VCF-style: chr10-74097331-A-T. GRCh37 (hg19) VCF-style: chr10-75857089-A-T.
Other names: c.1871A>T, p.Glu624Val (NM_003373.4); short protein forms E624V.
Identifiers: ClinVar variation 972633 (VCV000972633.10), dbSNP rs775238596, ClinGen allele CA5563098.

ClinVar aggregate classification (germline): Uncertain significance. Review status: criteria provided, multiple submitters, no conflicts (2 of 4 stars). 3 submissions from 3 submitters: Uncertain significance (3). Last evaluated 2025-12-08.

Conditions:
Cardiovascular phenotype. Identifiers: MedGen CN230736.
Dilated cardiomyopathy 1W (CMD1W). Identifiers: Orphanet 154, MedGen C1969639, MONDO:0012667, OMIM 611407.

Allele frequency attached by ClinVar (database versions not stated): gnomAD exomes below 0.00001; ExAC 0.00001; TOPMed 0.00001; gnomAD 0.00003 and 0.00004.
gnomAD v4.1: 6 of 1,612,952 alleles (0.00037%); highest among the groups gnomAD compares: African/African-American, 0.008%; no homozygotes.

Submissions (3):

Labcorp Genetics (formerly Invitae), Labcorp
Classification: Uncertain significance for Dilated cardiomyopathy 1W. Last evaluated: 2025-12-08. Review status: criteria provided, single submitter. Criteria: Invitae Variant Classification Sherloc (09022015). Collection method: clinical testing. Allele origin: germline.
Comment: This sequence change replaces glutamic acid, which is acidic and polar, with valine, which is neutral and non-polar, at codon 624 of the VCL protein (p.Glu624Val). This variant is present in population databases (rs775238596, gnomAD 0.008%). This variant has not been reported in the literature in individuals affected with VCL-related conditions. ClinVar contains an entry for this variant (Variation ID: 972633). An algorithm developed to predict the effect of missense changes on protein structure and function (PolyPhen-2) suggests that this variant is likely to be disruptive. In summary, the available evidence is currently insufficient to determine the role of this variant in disease. Therefore, it has been classified as a Variant of Uncertain Significance.

Ambry Genetics
Classification: Uncertain significance for Cardiovascular phenotype. Last evaluated: 2023-10-20. Review status: criteria provided, single submitter. Criteria: Ambry Variant Classification Scheme 2023. Collection method: clinical testing. Allele origin: germline.
Comment: The p.E624V variant (also known as c.1871A>T), located in coding exon 13 of the VCL gene, results from an A to T substitution at nucleotide position 1871. The glutamic acid at codon 624 is replaced by valine, an amino acid with dissimilar properties. This amino acid position is conserved. In addition, the in silico prediction for this alteration is inconclusive. Since supporting evidence is limited at this time, the clinical significance of this alteration remains unclear.

GeneDx
Classification: Uncertain significance. Last evaluated: 2022-08-24. Review status: criteria provided, single submitter. Criteria: GeneDx Variant Classification Process June 2021. Collection method: clinical testing. Allele origin: germline. Affected: yes.
Comment: Not observed at significant frequency in large population cohorts (gnomAD); In silico analysis supports that this missense variant has a deleterious effect on protein structure/function; Has not been previously published as pathogenic or benign to our knowledge